The following is an entry in ClinVar:

ClinVar aggregate classification (germline): Likely pathogenic (1 of 4 stars; one submission).

Conditions:
Glycogen storage disease type III (GSD3). Also called: FORBES DISEASE; Cori disease. Identifiers: Orphanet 366, MedGen C0017922, MONDO:0009291, OMIM 232400.

Submission:

Myriad Genetics, Inc.
Classification: Likely pathogenic for Glycogen storage disease type III. Last evaluated: 2021-12-09. Review status: criteria provided, single submitter. Criteria: Myriad Women's Health Autosomal Recessive and X-Linked Classification Criteria (2021). Collection method: clinical testing. Allele origin: unknown.
Comment: NM_000642.2(AGL):c.3498_3499delAA(K1166Nfs*21) is expected to be pathogenic in the context of glycogen storage disease type III. This variant is predicted to lead to an abnormal or absent protein product due to the creation of a premature termination codon in AGL, a gene where loss-of-function variants are known to be pathogenic. Please note: this variant was assessed in the context of healthy population screening.

NM_000642.3(AGL):c.3498_3499del (p.Lys1166fs)

Gene: AGL (amylo-alpha-1,6-glucosidase and 4-alpha-glucanotransferase; plus strand). Cytogenetic location: 1p21.2.
Variant type: Deletion.
Coding change: c.3498_3499del on transcript NM_000642.3 (MANE Select); coding-DNA positions 3498 to 3499, 2 bases deleted (AA; older notation c.3498_3499delAA).
Protein change: p.Lys1166fs; shifts the reading frame from lysine 1166.
Molecular consequence: frameshift variant.
Genome position (GRCh38, 1-based): chr1:99,900,771-99,900,772, AA deleted; deleting any 2 consecutive bases within chr1:99,900,769-99,900,772 gives the same sequence; the c. name uses the placement nearest the transcript's 3' end. VCF-style (leftmost placement, unchanged base first): chr1-99900768-TAA-T. GRCh37 (hg19) VCF-style: chr1-100366324-TAA-T.
Other names: c.3498_3499delAA, p.Lys1166Asnfs (NM_000028.3, NM_000643.3, NM_000644.3 and 1 more transcripts); c.3450_3451delAA, p.Lys1150Asnfs (NM_000646.3); c.3477_3478delAA, p.Lys1159Asnfs (NM_001425326.1); c.3297_3298delAA, p.Lys1099Asnfs (NM_001425327.1); c.3294_3295delAA, p.Lys1098Asnfs (NM_001425328.1); c.3159_3160delAA, p.Lys1053Asnfs (NM_001425329.1); c.3120_3121delAA, p.Lys1040Asnfs (NM_001425332.1); short protein forms K1150fs, K1166fs.
Identifiers: ClinVar variation 1726258 (VCV001726258.2), dbSNP rs2523715865, ClinGen allele CA2580063593.